The following is an entry in ClinVar:

NM_031407.7(HUWE1):c.8383G>T (p.Gly2795Cys)

Gene: HUWE1 (HECT, UBA and WWE domain containing E3 ubiquitin protein ligase 1; minus strand). Cytogenetic location: Xp11.22.
Variant type: single nucleotide variant.
Coding change: c.8383G>T on transcript NM_031407.7 (MANE Select); coding-DNA position 8383, G replaced by T.
Protein change: p.Gly2795Cys; replaces glycine 2795 with cysteine.
Molecular consequence: missense variant.
Genome position (GRCh38, 1-based): chrX:53,554,744, C>A on the plus strand (G>T on the coding strand, the complement: HUWE1 is on the minus strand). VCF-style: chrX-53554744-C-A. GRCh37 (hg19) VCF-style: chrX-53581705-C-A.
Other names: short protein forms G2795C.
Identifiers: ClinVar variation 992724 (VCV000992724.2), dbSNP rs2061922447, ClinGen allele CA413149463.

ClinVar aggregate classification (germline): Uncertain significance (1 of 4 stars; one submission).

Conditions:
Intellectual developmental disorder, X-linked, syndromic, Turner type. Also called: X-linked intellectual disability, Turner type; Intellectual disability, X-linked syndromic, Turner type. Identifiers: Orphanet 3056, Orphanet 85328, MedGen C2678046, MONDO:0010407, OMIM 309590.

Submission:

New York Genome Center
Classification: Uncertain significance for Intellectual developmental disorder, X-linked, syndromic, Turner type. Last evaluated: 2019-09-13. Review status: criteria provided, single submitter. Criteria: NYGC Assertion Criteria 2020. Collection method: clinical testing. Allele origin: inherited. Observed: 1 hemizygote. Study: CSER-NYCKidSeq.
Comment: The c.8383G>T (p.Gly2795Cys) variant identified in the HUWE1 gene substitutes a moderately conserved Glycine for Cysteine at amino acid 2795/4375 (coding exon 61/84). This variant is absent from gnomAD and ExAC, suggesting it is not a common benign variant in the populations represented in these databases. In silico algorithms do not agree on the effect this variant will have on the canonical transcript, as it is predicted both Neutral (Provean; score:-0.95) and Damaging (SIFT; score: 0.012) to function. This variant is absent from ClinVar and to our current knowledge has not been reported in affected individuals in the literature. The p.Gly2795 residue is not within a mapped domain of HUWE1, although missense variants outside of specific domains have been reported in affected individuals [PMID: 29180823]. Given the lack of compelling information on the pathogenicity of the c.8383G>T (p.Gly2795Cys) variant, it is reported hereas a Variant of Uncertain Significance.